The following is an entry in ClinVar:

NM_000719.7(CACNA1C):c.362T>C (p.Val121Ala)

Gene: CACNA1C (calcium voltage-gated channel subunit alpha1 C; plus strand). Cytogenetic location: 12p13.33.
Variant type: single nucleotide variant.
Coding change: c.362T>C on transcript NM_000719.7 (MANE Select); coding-DNA position 362, T replaced by C.
Protein change: p.Val121Ala; replaces valine 121 with alanine.
Molecular consequence: missense variant.
Genome position (GRCh38, 1-based): chr12:2,115,536, T>C. VCF-style: chr12-2115536-T-C. GRCh37 (hg19) VCF-style: chr12-2224702-T-C.
Other names: c.362T>C, p.Val121Ala (NM_001129827.2, NM_001129829.2, NM_001129830.3 and 19 more transcripts); short protein forms V121A.
Identifiers: ClinVar variation 1326099 (VCV001326099.2), dbSNP rs2154137228, ClinGen allele CA383653479.

ClinVar aggregate classification (germline): Uncertain significance (1 of 4 stars; one submission).

Submission:

GeneDx
Classification: Uncertain significance. Last evaluated: 2021-05-21. Review status: criteria provided, single submitter. Criteria: GeneDx Variant Classification Process June 2021. Collection method: clinical testing. Allele origin: germline. Affected: yes.
Comment: Not observed in large population cohorts (Lek et al., 2016); In silico analysis supports that this missense variant has a deleterious effect on protein structure/function; In-silico analysis, which includes splice predictors and evolutionary conservation, is inconclusive as to whether the variant alters gene splicing. In the absence of RNA/functional studies, the actual effect of this sequence change is unknown.; Has not been previously published as pathogenic or benign to our knowledge